The following is an entry in ClinVar:

ClinVar aggregate classification (germline): Uncertain significance (1 of 4 stars; one submission).

Conditions:
Diamond-Blackfan anemia. Also called: Blackfan Diamond syndrome; Aregenerative anemia chronic congenital; Red cell aplasia, pure hereditary; Congenital hypoplastic anemia; Aase syndrome. Identifiers: Orphanet 124, MedGen C1260899, MeSH D029503, MONDO:0015253, HP:0004810.
GATA binding protein 1 related thrombocytopenia with dyserythropoiesis. Also called: GATA1-Related Cytopenia; GATA1-Related X-Linked Cytopenia. Identifiers: MedGen C1845837, MONDO:0100089.

Allele frequency attached by ClinVar (database versions not stated): gnomAD exomes below 0.00001.
gnomAD v4.1: 4 of 1,211,266 alleles (0.00033%); highest among the groups gnomAD compares: South Asian, 0.0053%; no homozygotes.

Submission:

Labcorp Genetics (formerly Invitae), Labcorp
Classification: Uncertain significance for GATA binding protein 1 related thrombocytopenia with dyserythropoiesis; Diamond-Blackfan anemia. Last evaluated: 2023-03-19. Review status: criteria provided, single submitter. Criteria: Invitae Variant Classification Sherloc (09022015). Collection method: clinical testing. Allele origin: germline.
Comment: Advanced modeling of protein sequence and biophysical properties (such as structural, functional, and spatial information, amino acid conservation, physicochemical variation, residue mobility, and thermodynamic stability) performed at Invitae indicates that this missense variant is not expected to disrupt GATA1 protein function. In summary, the available evidence is currently insufficient to determine the role of this variant in disease. Therefore, it has been classified as a Variant of Uncertain Significance. This variant has not been reported in the literature in individuals affected with GATA1-related conditions. This variant is not present in population databases (gnomAD no frequency). This sequence change replaces glycine, which is neutral and non-polar, with aspartic acid, which is acidic and polar, at codon 165 of the GATA1 protein (p.Gly165Asp).

NM_002049.4(GATA1):c.494G>A (p.Gly165Asp)

Gene: GATA1 (GATA binding protein 1; plus strand). Cytogenetic location: Xp11.23.
Variant type: single nucleotide variant.
Coding change: c.494G>A on transcript NM_002049.4 (MANE Select); coding-DNA position 494, G replaced by A.
Protein change: p.Gly165Asp; replaces glycine 165 with aspartic acid.
Molecular consequence: missense variant.
Genome position (GRCh38, 1-based): chrX:48,792,117, G>A. VCF-style: chrX-48792117-G-A. GRCh37 (hg19) VCF-style: chrX-48650524-G-A.
Other names: short protein forms G165D.
Identifiers: ClinVar variation 2928443 (VCV002928443.3), dbSNP rs2519344825, ClinGen allele CA412869513.